The following is an entry in ClinVar:

NM_173689.7(CRB2):c.1554T>C (p.His518=)

Gene: CRB2 (crumbs cell polarity complex component 2; plus strand). Cytogenetic location: 9q33.3.
Variant type: single nucleotide variant.
Coding change: c.1554T>C on transcript NM_173689.7 (MANE Select); coding-DNA position 1554, T replaced by C.
Protein change: p.His518=; no amino-acid change (histidine 518 retained).
Molecular consequence: synonymous variant. On other transcripts: non-coding transcript variant (1).
Genome position (GRCh38, 1-based): chr9:123,370,607, T>C. VCF-style: chr9-123370607-T-C. GRCh37 (hg19) VCF-style: chr9-126132886-T-C.
Other names: p.His518=.
Identifiers: ClinVar variation 3717467 (VCV003717467.3).

ClinVar aggregate classification (germline): Likely benign. Review status: criteria provided, multiple submitters, no conflicts (2 of 4 stars). 2 submissions from 2 submitters: Likely benign (2). Last evaluated 2025-08-18.

gnomAD v4.1: 45 of 1,612,410 alleles (0.0028%); highest among the groups gnomAD compares: Middle Eastern, 0.016%; no homozygotes.

Submissions (2):

Mayo Clinic Laboratories, Mayo Clinic
Classification: Likely benign. Last evaluated: 2025-08-18. Review status: criteria provided, single submitter. Criteria: ACMG Guidelines, 2015. Collection method: clinical testing. Allele origin: germline. Observed: 1 variant allele.
Comment: BP4, BP7, PM2_supporting

Labcorp Genetics (formerly Invitae), Labcorp
Classification: Likely benign. Last evaluated: 2024-06-23. Review status: criteria provided, single submitter. Criteria: Invitae Variant Classification Sherloc (09022015). Collection method: clinical testing. Allele origin: germline.